The following is an entry in ClinVar:

NM_001267550.2(TTN):c.25397A>G (p.Asp8466Gly)

Gene: TTN (titin; minus strand). Cytogenetic location: 2q31.2.
Variant type: single nucleotide variant.
Coding change: c.25397A>G on transcript NM_001267550.2 (MANE Select); coding-DNA position 25397, A replaced by G.
Protein change: p.Asp8466Gly; replaces aspartic acid 8466 with glycine.
Molecular consequence: missense variant. On other transcripts: intron variant (3).
Genome position (GRCh38, 1-based): chr2:178,717,337, T>C on the plus strand (A>G on the coding strand, the complement: TTN is on the minus strand). VCF-style: chr2-178717337-T-C. GRCh37 (hg19) VCF-style: chr2-179582064-T-C.
Other names: c.24446A>G, p.Asp8149Gly (NM_001256850.1); c.21665A>G, p.Asp7222Gly (NM_133378.4); c.13282+20745A>G (NM_003319.4); c.13858+20745A>G (NM_133437.4); c.13657+20745A>G (NM_133432.3); short protein forms D7222G, D8149G, D8466G.
Identifiers: ClinVar variation 3033249 (VCV003033249.2), dbSNP rs773229351, ClinGen allele CA2000219.
Genomic context (GRCh38, chr2:178,717,337, plus strand): 5'-TTGATTGGTGCAGTCCCAGTTACATGACATTTAAAAGTACCACTTTCTCCAAGAGCAAGA[T>C]CTACTGATACAGGCTTTAGATCAAAGAAAGGAGGCACTTCATGCTCTGAAAAGAATGAAG-3'
Protein context (NP_001254479.2, residues 8456-8476): PFFDLKPVSV[Asp8466Gly]LALGESGTFK

ClinVar aggregate classification (germline): Uncertain significance (0 of 4 stars; one submission).

Conditions:
TTN-related disorder. Also called: TTN-related condition; TTN-related disease; TTN-related disorders.

Allele frequency attached by ClinVar (database versions not stated): gnomAD exomes below 0.00001; TOPMed below 0.00001; gnomAD 0.00001; ExAC 0.00002.
gnomAD v4.1: 4 of 1,613,390 alleles (0.00025%); highest among the groups gnomAD compares: African/African-American, 0.0027%; no homozygotes.

Submission:

PreventionGenetics, part of Exact Sciences
Classification: Uncertain significance for TTN-related condition. Last evaluated: 2023-12-21. Review status: no assertion criteria provided. Collection method: clinical testing. Allele origin: germline.
Comment: The TTN c.25397A>G variant is predicted to result in the amino acid substitution p.Asp8466Gly. To our knowledge, this variant has not been reported in the literature. This variant is reported in 0.0041% of alleles in individuals of African descent in gnomAD. At this time, the clinical significance of this variant is uncertain due to the absence of conclusive functional and genetic evidence.